The following is an entry in ClinVar:

NM_004577.4(PSPH):c.95A>G (p.Asp32Gly)

Gene: PSPH (phosphoserine phosphatase; minus strand). Cytogenetic location: 7p11.2.
Variant type: single nucleotide variant.
Coding change: c.95A>G on transcript NM_004577.4 (MANE Select); coding-DNA position 95, A replaced by G.
Protein change: p.Asp32Gly; replaces aspartic acid 32 with glycine.
Molecular consequence: missense variant.
Genome position (GRCh38, 1-based): chr7:56,021,118, T>C on the plus strand (A>G on the coding strand, the complement: PSPH is on the minus strand). VCF-style: chr7-56021118-T-C. GRCh37 (hg19) VCF-style: chr7-56088811-T-C.
Other names: c.95A>G, p.Asp32Gly (NM_001370503.1, NM_001370504.1, NM_001370505.1 and 17 more transcripts); short protein forms D32G.
Identifiers: ClinVar variation 360514 (VCV000360514.9), dbSNP rs78599516, ClinGen allele CA4268816.

ClinVar aggregate classification (germline): Benign/Likely benign. Review status: criteria provided, multiple submitters, no conflicts (2 of 4 stars). 4 submissions from 4 submitters: Benign (2); Likely benign (2). Last evaluated 2024-11-27.

Conditions:
Deficiency of phosphoserine phosphatase (PSPHD). Also called: PSPH deficiency; Phosphoserine phosphatase deficiency. Identifiers: Orphanet 79350, MedGen C1291463, MONDO:0013531, OMIM 614023.

Allele frequency attached by ClinVar (database versions not stated): ESP Exome Variant Server 0.10610; ExAC 0.17428.

Submissions 1 to 31 of 55:

Blueprint Genetics
Classification: Benign. Last evaluated: 2024-11-27. Review status: criteria provided, single submitter. Criteria: ACMG Guidelines, 2015. Collection method: clinical testing. Allele origin: germline.

Mendelics
Classification: Likely benign for Deficiency of phosphoserine phosphatase. Last evaluated: 2019-05-28. Review status: criteria provided, single submitter. Criteria: Mendelics Assertion Criteria 2017. Collection method: clinical testing. Allele origin: unknown.

Illumina Laboratory Services, Illumina
Classification: Benign for Deficiency of phosphoserine phosphatase. Last evaluated: 2018-01-12. Review status: criteria provided, single submitter. Criteria: ICSL Variant Classification Criteria 13 December 2019. Collection method: clinical testing. Allele origin: germline.
Comment: This variant was observed in the ICSL laboratory as part of a predisposition screen in an ostensibly healthy population. It had not been previously curated by ICSL or reported in the Human Gene Mutation Database (HGMD: prior to June 1st, 2018), and was therefore a candidate for classification through an automated scoring system. Utilizing variant allele frequency, disease prevalence and penetrance estimates, and inheritance mode, an automated score was calculated to assess if this variant is too frequent to cause the disease. Based on the score and internal cut-off values, a variant classified as benign is not then subjected to further curation. The score for this variant resulted in a classification of benign for this disease.

Breakthrough Genomics
Classification: Likely benign. Review status: criteria provided, single submitter. Criteria: ACMG Guidelines, 2015. Collection method: not provided. Allele origin: germline. Inheritance: Autosomal recessive inheritance. Affected: yes.

Dr. Peter K. Rogan Lab, Western University
No classification provided (evidence only). Condition: Colorectal cancer. Review status: no classification provided. Collection method: in vitro. Allele origin: not applicable. Functional consequence: retained intron. Not counted in ClinVar's aggregate classification.

Dr. Peter K. Rogan Lab, Western University
No classification provided (evidence only). Condition: Colorectal cancer. Review status: no classification provided. Collection method: in vitro. Allele origin: not applicable. Functional consequence: retained intron. Not counted in ClinVar's aggregate classification.

Dr. Peter K. Rogan Lab, Western University
No classification provided (evidence only). Condition: Colorectal cancer. Review status: no classification provided. Collection method: in vitro. Allele origin: not applicable. Functional consequence: retained intron. Not counted in ClinVar's aggregate classification.

Dr. Peter K. Rogan Lab, Western University
No classification provided (evidence only). Condition: Colorectal cancer. Review status: no classification provided. Collection method: in vitro. Allele origin: not applicable. Functional consequence: retained intron. Not counted in ClinVar's aggregate classification.

Dr. Peter K. Rogan Lab, Western University
No classification provided (evidence only). Condition: Cholangiocarcinoma. Review status: no classification provided. Collection method: in vitro. Allele origin: not applicable. Functional consequence: retained intron. Not counted in ClinVar's aggregate classification.

Dr. Peter K. Rogan Lab, Western University
No classification provided (evidence only). Condition: Cholangiocarcinoma. Review status: no classification provided. Collection method: in vitro. Allele origin: not applicable. Functional consequence: retained intron. Not counted in ClinVar's aggregate classification.

Dr. Peter K. Rogan Lab, Western University
No classification provided (evidence only). Condition: Cholangiocarcinoma. Review status: no classification provided. Collection method: in vitro. Allele origin: not applicable. Functional consequence: retained intron. Not counted in ClinVar's aggregate classification.

Dr. Peter K. Rogan Lab, Western University
No classification provided (evidence only). Condition: Cholangiocarcinoma. Review status: no classification provided. Collection method: in vitro. Allele origin: not applicable. Functional consequence: retained intron. Not counted in ClinVar's aggregate classification.

Dr. Peter K. Rogan Lab, Western University
No classification provided (evidence only). Condition: Cholangiocarcinoma. Review status: no classification provided. Collection method: in vitro. Allele origin: not applicable. Functional consequence: retained intron. Not counted in ClinVar's aggregate classification.

Dr. Peter K. Rogan Lab, Western University
No classification provided (evidence only). Condition: Cholangiocarcinoma. Review status: no classification provided. Collection method: in vitro. Allele origin: not applicable. Functional consequence: retained intron. Not counted in ClinVar's aggregate classification.

Dr. Peter K. Rogan Lab, Western University
No classification provided (evidence only). Condition: Adrenocortical carcinoma, hereditary. Review status: no classification provided. Collection method: in vitro. Allele origin: not applicable. Functional consequence: retained intron. Not counted in ClinVar's aggregate classification.

Dr. Peter K. Rogan Lab, Western University
No classification provided (evidence only). Condition: Adrenocortical carcinoma, hereditary. Review status: no classification provided. Collection method: in vitro. Allele origin: not applicable. Functional consequence: retained intron. Not counted in ClinVar's aggregate classification.

Dr. Peter K. Rogan Lab, Western University
No classification provided (evidence only). Condition: Adrenocortical carcinoma, hereditary. Review status: no classification provided. Collection method: in vitro. Allele origin: not applicable. Functional consequence: retained intron. Not counted in ClinVar's aggregate classification.

Dr. Peter K. Rogan Lab, Western University
No classification provided (evidence only). Condition: Adrenocortical carcinoma, hereditary. Review status: no classification provided. Collection method: in vitro. Allele origin: not applicable. Functional consequence: retained intron. Not counted in ClinVar's aggregate classification.

Dr. Peter K. Rogan Lab, Western University
No classification provided (evidence only). Condition: Adrenocortical carcinoma, hereditary. Review status: no classification provided. Collection method: in vitro. Allele origin: not applicable. Functional consequence: retained intron. Not counted in ClinVar's aggregate classification.

Dr. Peter K. Rogan Lab, Western University
No classification provided (evidence only). Condition: Adrenocortical carcinoma, hereditary. Review status: no classification provided. Collection method: in vitro. Allele origin: not applicable. Functional consequence: retained intron. Not counted in ClinVar's aggregate classification.

Dr. Peter K. Rogan Lab, Western University
No classification provided (evidence only). Condition: Uterine carcinosarcoma. Review status: no classification provided. Collection method: in vitro. Allele origin: not applicable. Functional consequence: retained intron. Not counted in ClinVar's aggregate classification.

Dr. Peter K. Rogan Lab, Western University
No classification provided (evidence only). Condition: Uterine carcinosarcoma. Review status: no classification provided. Collection method: in vitro. Allele origin: not applicable. Functional consequence: retained intron. Not counted in ClinVar's aggregate classification.

Dr. Peter K. Rogan Lab, Western University
No classification provided (evidence only). Condition: Uterine carcinosarcoma. Review status: no classification provided. Collection method: in vitro. Allele origin: not applicable. Functional consequence: retained intron. Not counted in ClinVar's aggregate classification.

Dr. Peter K. Rogan Lab, Western University
No classification provided (evidence only). Condition: Uterine carcinosarcoma. Review status: no classification provided. Collection method: in vitro. Allele origin: not applicable. Functional consequence: retained intron. Not counted in ClinVar's aggregate classification.

Dr. Peter K. Rogan Lab, Western University
No classification provided (evidence only). Condition: Uterine carcinosarcoma. Review status: no classification provided. Collection method: in vitro. Allele origin: not applicable. Functional consequence: retained intron. Not counted in ClinVar's aggregate classification.

Dr. Peter K. Rogan Lab, Western University
No classification provided (evidence only). Condition: Uterine carcinosarcoma. Review status: no classification provided. Collection method: in vitro. Allele origin: not applicable. Functional consequence: retained intron. Not counted in ClinVar's aggregate classification.

Dr. Peter K. Rogan Lab, Western University
No classification provided (evidence only). Condition: Uterine carcinosarcoma. Review status: no classification provided. Collection method: in vitro. Allele origin: not applicable. Functional consequence: retained intron. Not counted in ClinVar's aggregate classification.

Dr. Peter K. Rogan Lab, Western University
No classification provided (evidence only). Condition: Uterine carcinosarcoma. Review status: no classification provided. Collection method: in vitro. Allele origin: not applicable. Functional consequence: retained intron. Not counted in ClinVar's aggregate classification.

Dr. Peter K. Rogan Lab, Western University
No classification provided (evidence only). Condition: Uveal melanoma. Review status: no classification provided. Collection method: in vitro. Allele origin: not applicable. Functional consequence: retained intron. Not counted in ClinVar's aggregate classification.

Dr. Peter K. Rogan Lab, Western University
No classification provided (evidence only). Condition: Uveal melanoma. Review status: no classification provided. Collection method: in vitro. Allele origin: not applicable. Functional consequence: retained intron. Not counted in ClinVar's aggregate classification.

Dr. Peter K. Rogan Lab, Western University
No classification provided (evidence only). Condition: Uveal melanoma. Review status: no classification provided. Collection method: in vitro. Allele origin: not applicable. Functional consequence: retained intron. Not counted in ClinVar's aggregate classification.